The following is an entry in ClinVar:

NM_000302.4(PLOD1):c.64G>T (p.Ala22Ser)

Gene: PLOD1 (procollagen-lysine,2-oxoglutarate 5-dioxygenase 1; plus strand). Cytogenetic location: 1p36.22.
Variant type: single nucleotide variant.
Coding change: c.64G>T on transcript NM_000302.4 (MANE Select); coding-DNA position 64, G replaced by T.
Protein change: p.Ala22Ser; replaces alanine 22 with serine.
Molecular consequence: missense variant.
Genome position (GRCh38, 1-based): chr1:11,934,843, G>T. VCF-style: chr1-11934843-G-T. GRCh37 (hg19) VCF-style: chr1-11994900-G-T.
Other names: c.64G>T, p.Ala22Ser (NM_001316320.2); short protein forms A22S.
Identifiers: ClinVar variation 2565004 (VCV002565004.2), dbSNP rs2522756795, ClinGen allele CA338422851.
Genomic context (GRCh38, chr1:11,934,843, plus strand): 5'-CGGCCCCTGCTGCTACTGGCCCTGCTGGGCTGGCTGCTGCTGGCCGAAGCGAAGGGCGAC[G>T]CCAAGCCGGAGGGTGAGGGAGCGAAGGCCGGGGGCGGGAGCGCGGATCCGGGCGGGAGGG-3'
Protein context (NP_000293.2, residues 12-32): WLLLAEAKGD[Ala22Ser]KPEDNLLVLT

ClinVar aggregate classification (germline): Uncertain significance (1 of 4 stars; one submission).

Conditions:
Familial thoracic aortic aneurysm and aortic dissection (TAAD). Also called: Thoracic aortic aneurysms and dissections. Identifiers: Orphanet 91387, MedGen C4707243, MONDO:0019625.

Submission:

Ambry Genetics
Classification: Uncertain significance for Familial thoracic aortic aneurysm and aortic dissection. Last evaluated: 2023-05-30. Review status: criteria provided, single submitter. Criteria: Ambry Variant Classification Scheme 2023. Collection method: clinical testing. Allele origin: germline.
Comment: The p.A22S variant (also known as c.64G>T), located in coding exon 1 of the PLOD1 gene, results from a G to T substitution at nucleotide position 64. The alanine at codon 22 is replaced by serine, an amino acid with similar properties. This amino acid position is conserved. In addition, this alteration is predicted to be tolerated by in silico analysis. Since supporting evidence is limited at this time, the clinical significance of this alteration remains unclear.